The following is an entry in ClinVar:

ClinVar aggregate classification (germline): Uncertain significance (1 of 4 stars; one submission).

Submission:

Labcorp Genetics (formerly Invitae), Labcorp
Classification: Uncertain significance. Last evaluated: 2022-07-26. Review status: criteria provided, single submitter. Criteria: Invitae Variant Classification Sherloc (09022015). Collection method: clinical testing. Allele origin: germline.
Comment: This sequence change falls in intron 7 of the VPS33A gene. It does not directly change the encoded amino acid sequence of the VPS33A protein. In summary, the available evidence is currently insufficient to determine the role of this variant in disease. Therefore, it has been classified as a Variant of Uncertain Significance. Algorithms developed to predict the effect of sequence changes on RNA splicing suggest that this variant may create or strengthen a splice site. ClinVar contains an entry for this variant (Variation ID: 1450567). This variant has not been reported in the literature in individuals affected with VPS33A-related conditions. This variant is not present in population databases (gnomAD no frequency).

NM_022916.6(VPS33A):c.969+7C>T

Gene: VPS33A (VPS33A core subunit of CORVET and HOPS complexes; minus strand). Cytogenetic location: 12q24.31.
Variant type: single nucleotide variant.
Coding change: c.969+7C>T on transcript NM_022916.6 (MANE Select); 7 bases into the intron after coding-DNA position 969, C replaced by T.
Molecular consequence: intron variant.
Genome position (GRCh38, 1-based): chr12:122,244,562, G>A on the plus strand (C>T on the coding strand, the complement: VPS33A is on the minus strand). VCF-style: chr12-122244562-G-A. GRCh37 (hg19) VCF-style: chr12-122729109-G-A.
Other names: c.776-4617C>T (NM_001351020.2); c.936+7C>T (NM_001351018.2); c.921+7C>T (NM_001351019.2).
Identifiers: ClinVar variation 1450567 (VCV001450567.8), dbSNP rs2136132163, ClinGen allele CA2573148040.
Genomic context (GRCh38, chr12:122,244,562, plus strand): 5'-TTCCCCTCAGGGGTGGGCATCTACCTGAGGCCTAGAGTTGCAGAATGACACCCAAAACTT[G>A]CCTCACCTCGAATGCTGCAGAGATGATCTTTGCTTTCTTGCTGAGCACAGAGCCAACTGC-3'